The following is an entry in ClinVar:

ClinVar aggregate classification (germline): Pathogenic (1 of 4 stars; one submission).

Conditions:
Hereditary cancer-predisposing syndrome. Also called: Neoplastic Syndromes, Hereditary; Tumor predisposition; Hereditary neoplastic syndrome; Hereditary Cancer Syndrome. Identifiers: Orphanet 140162, MedGen C0027672, MeSH D009386, MONDO:0015356.

Submission:

Ambry Genetics
Classification: Pathogenic for Hereditary cancer-predisposing syndrome. Last evaluated: 2024-02-01. Review status: criteria provided, single submitter. Criteria: Ambry Variant Classification Scheme 2023. Collection method: clinical testing. Allele origin: germline.
Comment: The c.8111delCins30 pathogenic mutation, located in coding exon 17 of the BRCA2 gene, results from the deletion of one nucleotide and insertion of 30 nucleotides causing a translational frameshift with a predicted alternate stop codon (p.S2704*). This alteration is expected to result in loss of function by premature protein truncation or nonsense-mediated mRNA decay. As such, this alteration is interpreted as a disease-causing mutation.

NM_000059.4(BRCA2):c.8111delinsAGCAATAAAACTAGTAGTGCAGCTGAAACT (p.Ser2704Ter)

Gene: BRCA2 (BRCA2 DNA repair associated; plus strand). Cytogenetic location: 13q13.1.
Variant type: Indel.
Coding change: c.8111delinsAGCAATAAAACTAGTAGTGCAGCTGAAACT on transcript NM_000059.4 (MANE Select); coding-DNA position 8111, C replaced by AGCAATAAAACTAGTAGTGCAGCTGAAACT.
Protein change: p.Ser2704Ter; replaces serine 2704 with a stop codon.
Molecular consequence: nonsense.
Genome position (GRCh38, 1-based): chr13:32,363,313, C replaced by AGCAATAAAACTAGTAGTGCAGCTGAAACT. VCF-style: chr13-32363313-C-AGCAATAAAACTAGTAGTGCAGCTGAAACT. GRCh37 (hg19) VCF-style: chr13-32937450-C-AGCAATAAAACTAGTAGTGCAGCTGAAACT.
Other names: short protein forms S2704*.
Identifiers: ClinVar variation 827463 (VCV000827463.4), dbSNP rs1593925106, ClinGen allele CA915946890.
Genomic context (GRCh38, chr13:32,363,313, plus strand): 5'-AAACACTTGTTCTCTGTGTTTCTGACATAATTTCATTGAGCGCAAATATATCTGAAACTT[C>AGCAATAAAACTAGTAGTGCAGCTGAAACT]TAGCAATAAAACTAGTAGTGCAGATACCCAAAAAGTGGCCATTATTGAACTTACAGATGG-3'